The following is an entry in ClinVar:

ClinVar aggregate classification (germline): Pathogenic. Review status: criteria provided, multiple submitters, no conflicts (2 of 4 stars). 2 submissions from 2 submitters: Pathogenic (2). Last evaluated 2017-11-27.

Conditions:
Hereditary cancer-predisposing syndrome. Also called: Hereditary neoplastic syndrome; Neoplastic Syndromes, Hereditary; Tumor predisposition; Hereditary Cancer Syndrome. Identifiers: Orphanet 140162, MedGen C0027672, MeSH D009386, MONDO:0015356.

Submissions (2):

GeneDx
Classification: Pathogenic. Last evaluated: 2017-11-27. Review status: criteria provided, single submitter. Criteria: GeneDx Variant Classification (06012015). Collection method: clinical testing. Allele origin: germline. Affected: yes.
Comment: This deletion of one nucleotide in APC is denoted c.2395delT at the cDNA level and p.Tyr799MetfsX21(Y799MfsX21) at the protein level. The normal sequence, with the base that is deleted in braces, is TGAT[T]ATGT. The deletion causes a frameshift, which changes a Tyrosine to a Methionine at codon 799, and creates a premature stop codon at position 21 of the new reading frame. Although this variant has not, to our knowledge, been reported in the literature, it is predicted to cause loss of normal protein function through either protein truncation or nonsense-mediated mRNA decay. We consider this deletion to be pathogenic.

Ambry Genetics
Classification: Pathogenic for Hereditary cancer-predisposing syndrome. Last evaluated: 2015-05-22. Review status: criteria provided, single submitter. Criteria: Ambry Variant Classification Scheme 2023. Collection method: clinical testing. Allele origin: germline.
Comment: The c.2395delT pathogenic mutation, located in coding exon 15 of the APC gene, results from a deletion of one nucleotide at nucleotide position 2395, causing a translational frameshift with a predicted alternate stop codon. Since frameshifts are typically deleterious in nature, this alteration is interpreted as a disease-causing mutation (ACMG Recommendations for Standards for Interpretation and Reporting of Sequence Variations. Revision 2007. Genet Med. 2008;10:294).

NM_000038.6(APC):c.2395del (p.Tyr799fs)

Gene: APC (APC regulator of Wnt signaling pathway; plus strand). Cytogenetic location: 5q22.2.
Variant type: Deletion.
Coding change: c.2395del on transcript NM_000038.6 (MANE Select); coding-DNA position 2395, one base deleted (T; older notation c.2395delT).
Protein change: p.Tyr799fs; shifts the reading frame from tyrosine 799.
Molecular consequence: frameshift variant.
Genome position (GRCh38, 1-based): chr5:112,837,989, T deleted; the last of 2 consecutive T bases (chr5:112,837,988-112,837,989); deleting either gives the same sequence. VCF-style (leftmost placement, unchanged base first): chr5-112837987-AT-A. GRCh37 (hg19) VCF-style: chr5-112173684-AT-A.
Other names: c.2395del, p.Tyr799fs (NM_001127510.3, NM_001354895.2); c.2341del, p.Tyr781fs (NM_001127511.3); c.2449del, p.Tyr817fs (NM_001354896.2); c.2425del, p.Tyr809fs (NM_001354897.2); c.2320del, p.Tyr774fs (NM_001354898.2); c.2311del, p.Tyr771fs (NM_001354899.2); c.2272del, p.Tyr758fs (NM_001354900.2); c.2218del, p.Tyr740fs (NM_001354901.2); and 5 more; short protein forms Y639fs, Y771fs, Y708fs, Y758fs, Y781fs, Y817fs, Y516fs, Y673fs.
Identifiers: ClinVar variation 246126 (VCV000246126.4), dbSNP rs879254110, ClinGen allele CA10584243.
Genomic context (GRCh38, chr5:112,837,987, plus strand): 5'-ATTTAAGTCCCAAGGCATCTCATCGTAGTAAGCAGAGACACAAGCAAAGTCTCTATGGTG[AT>A]TATGTTTTTGACACCAATCGACATGATGATAATAGGTCAGACAATTTTAATACTGGCAAC-3'